The following is an entry in ClinVar:

ClinVar aggregate classification (germline): Uncertain significance (1 of 4 stars; one submission).

Conditions:
Congenital myasthenic syndrome 4A. Also called: CONGENITAL MYASTHENIC SYNDROME TYPE Ia1; Myasthenic syndrome, congenital, 4a, slow-channel; MYASTHENIC SYNDROME, CONGENITAL, 4A, SLOW-CHANNEL, AUTOSOMAL RECESSIVE. Identifiers: Orphanet 590, MedGen C4225413, MONDO:0011600, OMIM 605809.

Submission:

Pediatric Neurology, Ankara Etlik City Hospital, Health Sciences University
Classification: Uncertain significance for Congenital myasthenic syndrome 4A. Last evaluated: 2026-04-14. Review status: criteria provided, single submitter. Criteria: ACMG Guidelines, 2015. Collection method: clinical testing. Allele origin: germline. Inheritance: Autosomal recessive inheritance. Affected: yes. Observed: 1 variant allele, 1 heterozygote.
Comment: PM2 PP2

NM_000080.4(CHRNE):c.1076C>G (p.Pro359Arg)

Genes: CHRNE (cholinergic receptor nicotinic epsilon subunit; minus strand), LOC130060041 (ATAC-STARR-seq lymphoblastoid silent region 8050; plus strand). Cytogenetic location: 17p13.2.
Variant type: single nucleotide variant.
Coding change: c.1076C>G on transcript NM_000080.4 (MANE Select); coding-DNA position 1076, C replaced by G.
Protein change: p.Pro359Arg; replaces proline 359 with arginine.
Molecular consequence: missense variant.
Genome position (GRCh38, 1-based): chr17:4,899,341, G>C on the plus strand (C>G on the coding strand, the complement: CHRNE is on the minus strand). VCF-style: chr17-4899341-G-C. GRCh37 (hg19) VCF-style: chr17-4802636-G-C.
Other names: short protein forms P359R.
Identifiers: ClinVar variation 4845278 (VCV004845278.1).